The following is an entry in ClinVar:

NM_000264.5(PTCH1):c.3336C>T (p.Asn1112=)

Gene: PTCH1 (patched 1; minus strand). Cytogenetic location: 9q22.32.
Variant type: single nucleotide variant.
Coding change: c.3336C>T on transcript NM_000264.5 (MANE Select); coding-DNA position 3336, C replaced by T.
Protein change: p.Asn1112=; no amino-acid change (asparagine 1112 retained).
Molecular consequence: synonymous variant. On other transcripts: non-coding transcript variant (1).
Genome position (GRCh38, 1-based): chr9:95,453,591, G>A on the plus strand (C>T on the coding strand, the complement: PTCH1 is on the minus strand). VCF-style: chr9-95453591-G-A. GRCh37 (hg19) VCF-style: chr9-98215873-G-A.
Other names: c.3138C>T, p.Asn1046= (NM_001083602.3); c.3333C>T, p.Asn1111= (NM_001083603.3); c.2883C>T, p.Asn961= (NM_001083604.3, NM_001083605.3, NM_001083606.3 and 1 more transcripts); c.3180C>T, p.Asn1060= (NM_001354918.2).
Identifiers: ClinVar variation 1730357 (VCV001730357.6), dbSNP rs2538041349, ClinGen allele CA466108089.
Genomic context (GRCh38, chr9:95,453,591, plus strand): 5'-GGACACGGCGCCATCCAGGACGGGTGCAAACATGTGCTCCAGGGCAAGCACAGCCCTGCG[G>A]TTCTTGTCGCCGATGGCCGTCAGAAAGGCCTGTGCAATGAGGATGTTCACAAGATCAGGT-3'
Protein context (NP_000255.2, residues 1102-1122): LAFLTAIGDK[Asn1112=]RRAVLALEHM

ClinVar aggregate classification (germline): Likely benign. Review status: criteria provided, multiple submitters, no conflicts (2 of 4 stars). 3 submissions from 3 submitters: Likely benign (3). Last evaluated 2025-06-17.

Conditions:
Hereditary cancer-predisposing syndrome. Also called: Neoplastic Syndromes, Hereditary; Hereditary neoplastic syndrome; Hereditary Cancer Syndrome; Tumor predisposition. Identifiers: Orphanet 140162, MedGen C0027672, MeSH D009386, MONDO:0015356.
Gorlin syndrome. Also called: Nevoid Basal Cell Carcinoma Syndrome; Basal cell nevus syndrome. Identifiers: Orphanet 377, MedGen C0004779, MONDO:0007187.
PTCH1-related disorder. Also called: PTCH1-related disorders; PTCH1-related condition.

gnomAD v4.1: 1 of 1,614,002 alleles (0.000062%); no homozygotes.

Submissions (3):

PreventionGenetics, part of Exact Sciences
Classification: Likely benign for PTCH1-related condition. Last evaluated: 2025-06-17. Review status: criteria provided, single submitter. Criteria: ACMG Guidelines, 2015. Collection method: clinical testing. Allele origin: germline.
Comment: This variant is classified as likely benign based on ACMG/AMP sequence variant interpretation guidelines (Richards et al. 2015 PMID: 25741868, with internal and published modifications).

Labcorp Genetics (formerly Invitae), Labcorp
Classification: Likely benign for Gorlin syndrome. Last evaluated: 2023-01-15. Review status: criteria provided, single submitter. Criteria: Invitae Variant Classification Sherloc (09022015). Collection method: clinical testing. Allele origin: germline.

Ambry Genetics
Classification: Likely benign for Hereditary cancer-predisposing syndrome. Last evaluated: 2020-03-16. Review status: criteria provided, single submitter. Criteria: Ambry Variant Classification Scheme 2023. Collection method: clinical testing. Allele origin: germline.